The following is an entry in ClinVar:

ClinVar aggregate classification (germline): Uncertain significance (1 of 4 stars; one submission).

Conditions:
Primary dilated cardiomyopathy (DCM). Also called: Dilated Cardiomyopathy. Identifiers: Orphanet 217604, MedGen C0007193, MeSH D002311, MONDO:0005021, HP:0001644. Inheritance: Various modes of inheritance.

Submission:

Labcorp Genetics (formerly Invitae), Labcorp
Classification: Uncertain significance for Primary dilated cardiomyopathy. Last evaluated: 2025-02-27. Review status: criteria provided, single submitter. Criteria: Invitae Variant Classification Sherloc (09022015). Collection method: clinical testing. Allele origin: germline.
Comment: This sequence change falls in intron 9 of the TXNRD2 gene. It does not directly change the encoded amino acid sequence of the TXNRD2 protein. This variant is not present in population databases (gnomAD no frequency). This variant has not been reported in the literature in individuals affected with TXNRD2-related conditions. Algorithms developed to predict the effect of sequence changes on RNA splicing suggest that this variant may disrupt the consensus splice site. In summary, the available evidence is currently insufficient to determine the role of this variant in disease. Therefore, it has been classified as a Variant of Uncertain Significance.

NM_006440.5(TXNRD2):c.683-14C>A

Gene: TXNRD2 (thioredoxin reductase 2; minus strand). Cytogenetic location: 22q11.21.
Variant type: single nucleotide variant.
Coding change: c.683-14C>A on transcript NM_006440.5 (MANE Select); 14 bases into the intron before coding-DNA position 683, C replaced by A.
Molecular consequence: intron variant.
Genome position (GRCh38, 1-based): chr22:19,898,144, G>T on the plus strand (C>A on the coding strand, the complement: TXNRD2 is on the minus strand). VCF-style: chr22-19898144-G-T. GRCh37 (hg19) VCF-style: chr22-19885667-G-T.
Other names: c.680-14C>A (NM_001352300.2); c.395-14C>A (NM_001352302.2); c.593-14C>A (NM_001352301.2); c.683-14C>A (NM_001282512.3); c.587-14C>A (NM_001352303.2).
Identifiers: ClinVar variation 4697657 (VCV004697657.1).
Genomic context (GRCh38, chr22:19,898,144, plus strand): 5'-GTCCAGCCCAATCCCGGTGAGGAAGCCAGCACACTCCAGGGCCACATCTGTGGGGTGCCA[G>T]CTAAGGAGCACTGTAGATCCCAATTTTGGAAATGATGGGACAACACCCCAGGGCCCTGTG-3'